The following is an entry in ClinVar:

ClinVar aggregate classification (germline): Likely benign. Review status: criteria provided, multiple submitters, no conflicts (2 of 4 stars). 2 submissions from 2 submitters: Likely benign (2). Last evaluated 2023-06-01.

Submissions (2):

CeGaT Center for Human Genetics Tuebingen
Classification: Likely benign. Last evaluated: 2023-06-01. Review status: criteria provided, single submitter. Criteria: CeGaT Center For Human Genetics Tuebingen Variant Classification Criteria Version 2. Collection method: clinical testing. Allele origin: germline. Affected: yes. Observed: 1 variant allele.
Comment: PDYN: PM2:Supporting, BP4, BP7

Labcorp Genetics (formerly Invitae), Labcorp
Classification: Likely benign. Last evaluated: 2018-04-05. Review status: criteria provided, single submitter. Criteria: Invitae Variant Classification Sherloc (09022015). Collection method: clinical testing. Allele origin: germline.

NM_024411.5(PDYN):c.561A>C (p.Ser187=)

Genes: PDYN (prodynorphin; minus strand), PDYN-AS1 (PDYN antisense RNA 1; plus strand). Cytogenetic location: 20p13.
Variant type: single nucleotide variant.
Coding change: c.561A>C on transcript NM_024411.5 (MANE Select); coding-DNA position 561, A replaced by C.
Protein change: p.Ser187=; no amino-acid change (serine 187 retained).
Molecular consequence: synonymous variant.
Genome position (GRCh38, 1-based): chr20:1,980,527, T>G on the plus strand (A>C on the coding strand, the complement: PDYN is on the minus strand). VCF-style: chr20-1980527-T-G. GRCh37 (hg19) VCF-style: chr20-1961173-T-G.
Other names: c.561A>C, p.Ser187= (NM_001190892.1, NM_001190898.3, NM_001190899.2 and 1 more transcripts).
Identifiers: ClinVar variation 746654 (VCV000746654.27), dbSNP rs1600504981, ClinGen allele CA509546575.